The following is an entry in ClinVar:

NM_003816.3(ADAM9):c.1967G>A (p.Cys656Tyr)

Gene: ADAM9 (ADAM metallopeptidase domain 9; plus strand). Cytogenetic location: 8p11.22.
Variant type: single nucleotide variant.
Coding change: c.1967G>A on transcript NM_003816.3 (MANE Select); coding-DNA position 1967, G replaced by A.
Protein change: p.Cys656Tyr; replaces cysteine 656 with tyrosine.
Molecular consequence: missense variant. On other transcripts: non-coding transcript variant (1).
Genome position (GRCh38, 1-based): chr8:39,082,972, G>A. VCF-style: chr8-39082972-G-A. GRCh37 (hg19) VCF-style: chr8-38940491-G-A.
Other names: short protein forms C656Y.
Identifiers: ClinVar variation 1373093 (VCV001373093.8), dbSNP rs1364884728, ClinGen allele CA370747665.

ClinVar aggregate classification (germline): Uncertain significance (1 of 4 stars; one submission).

Allele frequency attached by ClinVar (database versions not stated): gnomAD exomes below 0.00001; gnomAD 0.00001; TOPMed 0.00001.

Submission:

Labcorp Genetics (formerly Invitae), Labcorp
Classification: Uncertain significance. Last evaluated: 2024-12-02. Review status: criteria provided, single submitter. Criteria: Invitae Variant Classification Sherloc (09022015). Collection method: clinical testing. Allele origin: germline.
Comment: This sequence change replaces cysteine, which is neutral and slightly polar, with tyrosine, which is neutral and polar, at codon 656 of the ADAM9 protein (p.Cys656Tyr). This variant is present in population databases (no rsID available, gnomAD 0.007%). This variant has not been reported in the literature in individuals affected with ADAM9-related conditions. ClinVar contains an entry for this variant (Variation ID: 1373093). Invitae Evidence Modeling of protein sequence and biophysical properties (such as structural, functional, and spatial information, amino acid conservation, physicochemical variation, residue mobility, and thermodynamic stability) indicates that this missense variant is expected to disrupt ADAM9 protein function with a positive predictive value of 80%. In summary, the available evidence is currently insufficient to determine the role of this variant in disease. Therefore, it has been classified as a Variant of Uncertain Significance.